The following is an entry in ClinVar:

NM_015474.4(SAMHD1):c.460del (p.Tyr154fs)

Gene: SAMHD1 (SAM and HD domain containing deoxynucleoside triphosphate triphosphohydrolase 1; minus strand). Cytogenetic location: 20q11.23.
Variant type: Deletion.
Coding change: c.460del on transcript NM_015474.4 (MANE Select); coding-DNA position 460, one base deleted (T; older notation c.460delT).
Protein change: p.Tyr154fs; shifts the reading frame from tyrosine 154.
Molecular consequence: frameshift variant.
Genome position (GRCh38, 1-based): chr20:36,935,078, A deleted on the plus strand (T on the coding strand, the reverse complement: SAMHD1 is on the minus strand); the first of 2 consecutive A bases (chr20:36,935,078-36,935,079); deleting either gives the same sequence. VCF-style (leftmost placement, unchanged base first): chr20-36935077-TA-T. GRCh37 (hg19) VCF-style: chr20-35563480-TA-T.
Other names: c.460del, p.Tyr154fs (NM_001363729.2, NM_001363733.2); short protein forms Y154fs.
Identifiers: ClinVar variation 1359912 (VCV001359912.6), dbSNP rs2063594580, ClinGen allele CA1017324168.

ClinVar aggregate classification (germline): Pathogenic (1 of 4 stars; one submission).

Conditions:
Aicardi-Goutieres syndrome 5. Identifiers: Orphanet 51, MedGen C2749659, MONDO:0013059, OMIM 612952.

Submission:

Labcorp Genetics (formerly Invitae), Labcorp
Classification: Pathogenic for Aicardi-Goutieres syndrome 5. Last evaluated: 2021-05-13. Review status: criteria provided, single submitter. Criteria: Invitae Variant Classification Sherloc (09022015). Collection method: clinical testing. Allele origin: germline.
Comment: This variant is not present in population databases (ExAC no frequency). This variant has not been reported in the literature in individuals with SAMHD1-related conditions. For these reasons, this variant has been classified as Pathogenic. This sequence change creates a premature translational stop signal (p.Tyr154Thrfs*16) in the SAMHD1 gene. It is expected to result in an absent or disrupted protein product. Loss-of-function variants in SAMHD1 are known to be pathogenic (PMID: 19525956, 22461318).

Literature cited by the submitters: PubMed 19525956; PubMed 22461318.